The following is an entry in ClinVar:

ClinVar aggregate classification (germline): Uncertain significance (1 of 4 stars; one submission).

Allele frequency attached by ClinVar (database versions not stated): gnomAD exomes below 0.00001 and 0.00002; ExAC 0.00002; gnomAD 0.00003; TOPMed 0.00005.
gnomAD v4.1: 11 of 1,580,774 alleles (0.0007%); highest among the groups gnomAD compares: African/African-American, 0.0055%; no homozygotes.

Submission:

Labcorp Genetics (formerly Invitae), Labcorp
Classification: Uncertain significance. Last evaluated: 2022-07-25. Review status: criteria provided, single submitter. Criteria: Invitae Variant Classification Sherloc (09022015). Collection method: clinical testing. Allele origin: germline.
Comment: In summary, the available evidence is currently insufficient to determine the role of this variant in disease. Therefore, it has been classified as a Variant of Uncertain Significance. Variants that disrupt the consensus splice site are a relatively common cause of aberrant splicing (PMID: 17576681, 9536098). Algorithms developed to predict the effect of sequence changes on RNA splicing suggest that this variant may create or strengthen a splice site. ClinVar contains an entry for this variant (Variation ID: 1481427). This variant has not been reported in the literature in individuals affected with HTT-related conditions. This variant is present in population databases (rs200996586, gnomAD 0.01%). This sequence change falls in intron 20 of the HTT gene. It does not directly change the encoded amino acid sequence of the HTT protein. It affects a nucleotide within the consensus splice site.

Literature cited by the submitters: PubMed 17576681; PubMed 9536098.

NM_001388492.1(HTT):c.2697+6C>T

Gene: HTT (huntingtin; plus strand). Cytogenetic location: 4p16.3.
Variant type: single nucleotide variant.
Coding change: c.2697+6C>T on transcript NM_001388492.1 (MANE Select); 6 bases into the intron after coding-DNA position 2697, C replaced by T.
Molecular consequence: intron variant.
Genome position (GRCh38, 1-based): chr4:3,135,973, C>T. VCF-style: chr4-3135973-C-T. GRCh37 (hg19) VCF-style: chr4-3137700-C-T.
Other names: c.2697+6C>T (NM_002111.8).
Identifiers: ClinVar variation 1481427 (VCV001481427.7), dbSNP rs200996586, ClinGen allele CA2823909.